The following is an entry in ClinVar:

NM_000489.6(ATRX):c.5137C>T (p.Pro1713Ser)

Gene: ATRX (ATRX chromatin remodeler; minus strand). Cytogenetic location: Xq21.1.
Variant type: single nucleotide variant.
Coding change: c.5137C>T on transcript NM_000489.6 (MANE Select); coding-DNA position 5137, C replaced by T.
Protein change: p.Pro1713Ser; replaces proline 1713 with serine.
Molecular consequence: missense variant.
Genome position (GRCh38, 1-based): chrX:77,620,530, G>A on the plus strand (C>T on the coding strand, the complement: ATRX is on the minus strand). VCF-style: chrX-77620530-G-A. GRCh37 (hg19) VCF-style: chrX-76875998-G-A.
Other names: c.5023C>T, p.Pro1675Ser (NM_138270.5); short protein forms P1675S, P1713S.
Identifiers: ClinVar variation 1339166 (VCV001339166.2), dbSNP rs2148272498, ClinGen allele CA413701617.

ClinVar aggregate classification (germline): Uncertain significance (1 of 4 stars; one submission).

Conditions:
Intellectual disability-hypotonic facies syndrome, X-linked, 1 (MRXHF1). Also called: CHUDLEY-LOWRY SYNDROME; Chudley syndrome 1; Chudley-Lowry-Hoar syndrome; Carpenter-Waziri syndrome; HOLMES-GANG SYNDROME; Smith Fineman Myers syndrome 1. Identifiers: Orphanet 73220, Orphanet 93970, Orphanet 93971, Orphanet 93972, Orphanet 93973, Orphanet 93974, Orphanet 93975, MedGen C4759781, MONDO:0010663, OMIM 309580.

Submission:

Neuberg Centre For Genomic Medicine, NCGM
Classification: Uncertain significance for Intellectual disability-hypotonic facies syndrome, X-linked, 1. Review status: criteria provided, single submitter. Criteria: ACMG Guidelines, 2015. Collection method: clinical testing. Allele origin: germline. Affected: yes.
Comment: The missense variant p.P1713S in ATRX (NM_000489.6) has not been reported previously as a pathogenic variant nor as a benign variant, to our knowledge. The p.P1713S variant is novel (not in any individuals) in gnomAD Exomes and is novel (not in any individuals) in 1000 Genomes. The p.P1713S missense variant is predicted to be damaging by both SIFT and PolyPhen2. The proline residue at codon 1713 of ATRX is conserved in all mammalian species. The nucleotide c.5137 in ATRX is predicted conserved by GERP++ and PhyloP across 100 vertebrates. For these reasons, this variant has been classified as Uncertain Significance.